The following is an entry in ClinVar:

NM_000368.5(TSC1):c.1264-3C>T

Gene: TSC1 (TSC complex subunit 1; minus strand). Cytogenetic location: 9q34.13.
Variant type: single nucleotide variant.
Coding change: c.1264-3C>T on transcript NM_000368.5 (MANE Select); 3 bases into the intron before coding-DNA position 1264, C replaced by T.
Molecular consequence: intron variant.
Genome position (GRCh38, 1-based): chr9:132,907,373, G>A on the plus strand (C>T on the coding strand, the complement: TSC1 is on the minus strand). VCF-style: chr9-132907373-G-A. GRCh37 (hg19) VCF-style: chr9-135782760-G-A.
Other names: c.901-3C>T (NM_001362177.2); c.1111-3C>T (NM_001162427.2); c.1261-3C>T (NM_001162426.2); c.1264-3C>T (NM_000368.4).
Identifiers: ClinVar variation 1502858 (VCV001502858.7), dbSNP rs1194717065, ClinGen allele CA591048738.

ClinVar aggregate classification (germline): Uncertain significance. Review status: criteria provided, multiple submitters, no conflicts (2 of 4 stars). 2 submissions from 2 submitters: Uncertain significance (2). Last evaluated 2023-11-21.

Conditions:
Hereditary cancer-predisposing syndrome. Also called: Tumor predisposition; Hereditary neoplastic syndrome; Neoplastic Syndromes, Hereditary; Hereditary Cancer Syndrome. Identifiers: Orphanet 140162, MedGen C0027672, MeSH D009386, MONDO:0015356.
Tuberous sclerosis 1 (TSC1). Identifiers: Orphanet 805, MedGen C1854465, MONDO:0008612, OMIM 191100.

Allele frequency attached by ClinVar (database versions not stated): gnomAD exomes below 0.00001.
gnomAD v4.1: 4 of 1,611,702 alleles (0.00025%); highest among the groups gnomAD compares: South Asian, 0.0033%; no homozygotes.

Submissions (2):

Ambry Genetics
Classification: Uncertain significance for Hereditary cancer-predisposing syndrome. Last evaluated: 2023-11-21. Review status: criteria provided, single submitter. Criteria: Ambry Variant Classification Scheme 2023. Collection method: clinical testing. Allele origin: germline.
Comment: The c.1264-3C>T intronic variant results from a C to T substitution 3 nucleotides upstream from coding exon 11 in the TSC1 gene. This nucleotide position is well conserved in available vertebrate species. In silico splice site analysis predicts that this alteration will not have any significant effect on splicing. Since supporting evidence is limited at this time, the clinical significance of this alteration remains unclear.

Labcorp Genetics (formerly Invitae), Labcorp
Classification: Uncertain significance for Tuberous sclerosis 1. Last evaluated: 2023-01-26. Review status: criteria provided, single submitter. Criteria: Invitae Variant Classification Sherloc (09022015). Collection method: clinical testing. Allele origin: germline.
Comment: In summary, the available evidence is currently insufficient to determine the role of this variant in disease. Therefore, it has been classified as a Variant of Uncertain Significance. Variants that disrupt the consensus splice site are a relatively common cause of aberrant splicing (PMID: 17576681, 9536098). Algorithms developed to predict the effect of sequence changes on RNA splicing suggest that this variant is not likely to affect RNA splicing. ClinVar contains an entry for this variant (Variation ID: 1502858). This variant has not been reported in the literature in individuals affected with TSC1-related conditions. This variant is present in population databases (no rsID available, gnomAD 0.0009%). This sequence change falls in intron 12 of the TSC1 gene. It does not directly change the encoded amino acid sequence of the TSC1 protein. It affects a nucleotide within the consensus splice site.

Literature cited by the submitters: PubMed 17576681 (cited by Labcorp Genetics (formerly Invitae), Labcorp); PubMed 9536098 (cited by Labcorp Genetics (formerly Invitae), Labcorp).